The following is an entry in ClinVar:

ClinVar aggregate classification (germline): Benign/Likely benign. Review status: criteria provided, multiple submitters, no conflicts (2 of 4 stars). 4 submissions from 4 submitters: Benign (1); Likely benign (3). Last evaluated 2026-07-08.

Conditions:
Hereditary cancer-predisposing syndrome. Also called: Neoplastic Syndromes, Hereditary; Tumor predisposition; Hereditary Cancer Syndrome; Hereditary neoplastic syndrome. Identifiers: Orphanet 140162, MedGen C0027672, MeSH D009386, MONDO:0015356.
Rhabdoid tumor predisposition syndrome 2 (RTPS2). Identifiers: Orphanet 231108, Orphanet 69077, MedGen C2750074, MONDO:0013224, OMIM 613325.

Allele frequency attached by ClinVar (database versions not stated): gnomAD exomes 0.00001.
gnomAD v4.1: 10 of 1,613,942 alleles (0.00062%); highest among the groups gnomAD compares: Non-Finnish European, 0.00076%; no homozygotes.

Submissions (4):

Myriad Genetics, Inc.
Classification: Benign for Rhabdoid tumor predisposition syndrome 2. Last evaluated: 2026-07-08. Review status: criteria provided, single submitter. Criteria: Myriad Autosomal Dominant, Autosomal Recessive and X-Linked Classification Criteria (2023). Collection method: clinical testing. Allele origin: unknown.
Comment: This variant is considered benign. This variant is a silent/synonymous amino acid change and it is not expected to impact splicing.

Labcorp Genetics (formerly Invitae), Labcorp
Classification: Likely benign for Rhabdoid tumor predisposition syndrome 2. Last evaluated: 2024-04-25. Review status: criteria provided, single submitter. Criteria: Invitae Variant Classification Sherloc (09022015). Collection method: clinical testing. Allele origin: germline.

Ambry Genetics
Classification: Likely benign for Hereditary cancer-predisposing syndrome. Last evaluated: 2023-09-13. Review status: criteria provided, single submitter. Criteria: Ambry Variant Classification Scheme 2023. Collection method: clinical testing. Allele origin: germline.

Sema4
Classification: Likely benign for Hereditary cancer-predisposing syndrome. Last evaluated: 2021-07-27. Review status: criteria provided, single submitter. Criteria: Sema4 Curation Guidelines. Collection method: curation. Allele origin: germline.

NM_003072.5(SMARCA4):c.393T>C (p.Ser131=)

Gene: SMARCA4 (SWI/SNF related BAF chromatin remodeling complex subunit ATPase 4; plus strand). Cytogenetic location: 19p13.2.
Variant type: single nucleotide variant.
Coding change: c.393T>C on transcript NM_003072.5 (MANE Select); coding-DNA position 393, T replaced by C.
Protein change: p.Ser131=; no amino-acid change (serine 131 retained).
Molecular consequence: synonymous variant. On other transcripts: non-coding transcript variant (1).
Genome position (GRCh38, 1-based): chr19:10,986,226, T>C. VCF-style: chr19-10986226-T-C. GRCh37 (hg19) VCF-style: chr19-11096902-T-C.
Other names: c.393T>C, p.Ser131= (NM_001128844.3, NM_001128845.2, NM_001128846.2 and 5 more transcripts).
Identifiers: ClinVar variation 1627786 (VCV001627786.12), dbSNP rs1035733540, ClinGen allele CA305286599.